The following is an entry in ClinVar:

ClinVar aggregate classification (germline): Uncertain significance (1 of 4 stars; one submission).

Conditions:
Arrhythmogenic right ventricular dysplasia 12. Also called: ARRHYTHMOGENIC RIGHT VENTRICULAR DYSPLASIA, FAMILIAL, 12. Identifiers: MedGen C1969081, MONDO:0012684, OMIM 611528.
Naxos disease (NXD). Also called: CARDIOMYOPATHY, ARRHYTHMOGENIC RIGHT VENTRICULAR, WITH SKIN, HAIR, AND NAIL ABNORMALITIES; WOOLLY HAIR, PALMOPLANTAR KERATODERMA, AND CARDIAC ABNORMALITIES; KERATOSIS PALMOPLANTARIS WITH ARRHYTHMOGENIC CARDIOMYOPATHY; MAL DE NAXOS; PALMOPLANTAR KERATODERMA WITH ARRHYTHMOGENIC RIGHT VENTRICULAR CARDIOMYOPATHY AND WOOLLY HAIR. Identifiers: Orphanet 34217, MedGen C1832600, MONDO:0011017, OMIM 601214.

Allele frequency attached by ClinVar (database versions not stated): gnomAD exomes below 0.00001 and 0.00001; TOPMed 0.00001.

Submission:

Labcorp Genetics (formerly Invitae), Labcorp
Classification: Uncertain significance for Arrhythmogenic right ventricular dysplasia 12; Naxos disease. Last evaluated: 2025-05-22. Review status: criteria provided, single submitter. Criteria: Invitae Variant Classification Sherloc (09022015). Collection method: clinical testing. Allele origin: germline.
Comment: This sequence change replaces proline, which is neutral and non-polar, with leucine, which is neutral and non-polar, at codon 67 of the JUP protein (p.Pro67Leu). This variant is present in population databases (no rsID available, gnomAD 0.003%). This variant has not been reported in the literature in individuals affected with JUP-related conditions. ClinVar contains an entry for this variant (Variation ID: 647106). An algorithm developed to predict the effect of missense changes on protein structure and function (PolyPhen-2) suggests that this variant is likely to be tolerated. In summary, the available evidence is currently insufficient to determine the role of this variant in disease. Therefore, it has been classified as a Variant of Uncertain Significance.

NM_002230.4(JUP):c.200C>T (p.Pro67Leu)

Gene: JUP (junction plakoglobin; minus strand). Cytogenetic location: 17q21.2.
Variant type: single nucleotide variant.
Coding change: c.200C>T on transcript NM_002230.4 (MANE Select); coding-DNA position 200, C replaced by T.
Protein change: p.Pro67Leu; replaces proline 67 with leucine.
Molecular consequence: missense variant.
Genome position (GRCh38, 1-based): chr17:41,771,655, G>A on the plus strand (C>T on the coding strand, the complement: JUP is on the minus strand). VCF-style: chr17-41771655-G-A. GRCh37 (hg19) VCF-style: chr17-39927907-G-A.
Other names: c.200C>T, p.Pro67Leu (NM_001352773.2, NM_001352774.2, NM_001352775.2 and 3 more transcripts); short protein forms P67L.
Identifiers: ClinVar variation 647106 (VCV000647106.10), dbSNP rs1427489722, ClinGen allele CA399506547.